The following is an entry in ClinVar:

NM_014254.3(RXYLT1):c.184G>A (p.Glu62Lys)

Gene: RXYLT1 (ribitol xylosyltransferase 1; plus strand). Cytogenetic location: 12q14.2.
Variant type: single nucleotide variant.
Coding change: c.184G>A on transcript NM_014254.3 (MANE Select); coding-DNA position 184, G replaced by A.
Protein change: p.Glu62Lys; replaces glutamic acid 62 with lysine.
Molecular consequence: missense variant. On other transcripts: 5 prime UTR variant (1).
Genome position (GRCh38, 1-based): chr12:63,781,033, G>A. VCF-style: chr12-63781033-G-A. GRCh37 (hg19) VCF-style: chr12-64174813-G-A.
Other names: c.-597G>A (NM_001278237.2); c.184G>A (NM_014254.1); short protein forms E62K.
Identifiers: ClinVar variation 473413 (VCV000473413.8), dbSNP rs200250516, ClinGen allele CA6666018.

ClinVar aggregate classification (germline): Uncertain significance. Review status: criteria provided, multiple submitters, no conflicts (2 of 4 stars). 3 submissions from 3 submitters: Uncertain significance (3). Last evaluated 2022-09-14.

Conditions:
Inborn genetic diseases. Identifiers: MedGen C0950123, MeSH D030342.

Allele frequency attached by ClinVar (database versions not stated): ExAC 0.00003; gnomAD exomes 0.00007; TOPMed 0.00009; gnomAD 0.00010; 1000 Genomes Project 0.00020; 1000 Genomes Project 30x 0.00031.

Submissions (3):

GeneDx
Classification: Uncertain significance. Last evaluated: 2022-09-14. Review status: criteria provided, single submitter. Criteria: GeneDx Variant Classification Process June 2021. Collection method: clinical testing. Allele origin: germline. Affected: yes.
Comment: In silico analysis supports that this missense variant does not alter protein structure/function; Has not been previously published as pathogenic or benign to our knowledge

Labcorp Genetics (formerly Invitae), Labcorp
Classification: Uncertain significance. Last evaluated: 2022-08-10. Review status: criteria provided, single submitter. Criteria: Invitae Variant Classification Sherloc (09022015). Collection method: clinical testing. Allele origin: germline.
Comment: This sequence change replaces glutamic acid, which is acidic and polar, with lysine, which is basic and polar, at codon 62 of the RXYLT1 protein (p.Glu62Lys). This variant is present in population databases (rs200250516, gnomAD 0.05%). This variant has not been reported in the literature in individuals affected with RXYLT1-related conditions. ClinVar contains an entry for this variant (Variation ID: 473413). Algorithms developed to predict the effect of missense changes on protein structure and function (SIFT, PolyPhen-2, Align-GVGD) all suggest that this variant is likely to be tolerated. In summary, the available evidence is currently insufficient to determine the role of this variant in disease. Therefore, it has been classified as a Variant of Uncertain Significance.

Ambry Genetics
Classification: Uncertain significance for Inborn genetic diseases. Last evaluated: 2021-08-19. Review status: criteria provided, single submitter. Criteria: Ambry Variant Classification Scheme 2023. Collection method: clinical testing. Allele origin: germline.